The following is an entry in ClinVar:

NM_001145196.1(SPATA31A6):c.51C>T (p.Asn17=)

Gene: SPATA31A6 (SPATA31 subfamily A member 6; plus strand). Cytogenetic location: 9p11.2.
Variant type: single nucleotide variant.
Coding change: c.51C>T on transcript NM_001145196.1 (MANE Select); coding-DNA position 51, C replaced by T.
Protein change: p.Asn17=; no amino-acid change (asparagine 17 retained).
Molecular consequence: synonymous variant.
Genome position (GRCh38, 1-based): chr9:42,183,738, C>T. VCF-style: chr9-42183738-C-T. GRCh37 (hg19) VCF-style: chr9-43630651-G-A.
Identifiers: ClinVar variation 2659218 (VCV002659218.24), dbSNP rs746632976, ClinGen allele CA5068009.
Genomic context (GRCh38, chr9:42,183,738, plus strand): 5'-GCCTATTCACATGGAGAATCTTCCCTTTCCTTTAAAATTACTTAGTGCCTCATCGCTAAA[C>T]GCCCCCAGCTCCACACCATGGGTGTTGGATATCTTCCTCACCTTGGTGTTTGCCCTGGGG-3'
Protein context (NP_001138668.1, residues 7-27): PLKLLSASSL[Asn17=]APSSTPWVLD

ClinVar aggregate classification (germline): Likely benign (1 of 4 stars; one submission).

Allele frequency attached by ClinVar (database versions not stated): gnomAD exomes 0.00042; ExAC 0.00049.
gnomAD v4.1: 631 of 1,534,826 alleles (0.041%); highest among the groups gnomAD compares: Non-Finnish European, 0.046%; 104 homozygotes.

Submission:

CeGaT Center for Human Genetics Tuebingen
Classification: Likely benign. Last evaluated: 2022-07-01. Review status: criteria provided, single submitter. Criteria: CeGaT Center For Human Genetics Tuebingen Variant Classification Criteria Version 2. Collection method: clinical testing. Allele origin: germline. Affected: yes. Observed: 1 variant allele.
Comment: SPATA31A6: BS2